The following is an entry in ClinVar:

NM_004320.6(ATP2A1):c.1672_1673dup (p.Leu559fs)

Gene: ATP2A1 (ATPase sarcoplasmic/endoplasmic reticulum Ca2+ transporting 1; plus strand). Cytogenetic location: 16p11.2.
Variant type: Microsatellite.
Coding change: c.1672_1673dup on transcript NM_004320.6 (MANE Select); coding-DNA positions 1672 to 1673, 2 bases duplicated (AC; older notation c.1672_1673dupAC).
Protein change: p.Leu559fs; shifts the reading frame from leucine 559.
Molecular consequence: frameshift variant.
Genome position (GRCh38, 1-based): chr16:28,898,359-28,898,360, AC duplicated; duplicating any 2 consecutive bases within chr16:28,898,357-28,898,360 gives the same sequence; the c. name uses the placement nearest the transcript's 3' end. VCF-style (leftmost placement, unchanged base first): chr16-28898356-G-GAC. GRCh37 (hg19) VCF-style: chr16-28909677-G-GAC.
Other names: c.1297_1298dup, p.Leu434fs (NM_001286075.2); c.1672_1673dup, p.Leu559fs (NM_173201.5); short protein forms L559fs, L434fs.
Identifiers: ClinVar variation 1031711 (VCV001031711.13), dbSNP rs1433893346, ClinGen allele CA622162472.

ClinVar aggregate classification (germline): Pathogenic/Likely pathogenic. Review status: criteria provided, multiple submitters, no conflicts (2 of 4 stars). 3 submissions from 3 submitters: Pathogenic (2); Likely pathogenic (1). Last evaluated 2026-01-02.

Conditions:
Brody myopathy. Also called: BRODY DISEASE. Identifiers: Orphanet 53347, MedGen C1832918, MONDO:0010977, OMIM 601003.

Submissions (3):

Variantyx, Inc.
Classification: Likely pathogenic for Brody myopathy. Last evaluated: 2026-01-02. Review status: criteria provided, single submitter. Criteria: Variantyx Assertion Criteria 2022. Collection method: clinical testing. Allele origin: germline. Inheritance: Autosomal recessive inheritance. Affected: no.
Comment: This is a frameshift variant in the ATP2A1 gene (OMIM: 108730). Pathogenic variants in this gene have been associated with autosomal recessive Brody myopathy. This variant introduces a premature termination codon in exon 14 out of 23 and is expected to result in loss of function, which is a known disease mechanism for ATP2A1 in this disorder (PMID: 8841193, 10914677, 23911890) (PVS1). This variant has a 0.0027% maximum allele frequency in non-founder control populations (PM2). Based on the current evidence, this variant is classified as likely pathogenic for autosomal recessive Brody myopathy.

Labcorp Genetics (formerly Invitae), Labcorp
Classification: Pathogenic for Brody myopathy. Last evaluated: 2021-08-11. Review status: criteria provided, single submitter. Criteria: Invitae Variant Classification Sherloc (09022015). Collection method: clinical testing. Allele origin: germline.
Comment: For these reasons, this variant has been classified as Pathogenic. This variant has not been reported in the literature in individuals affected with ATP2A1-related conditions. This variant is not present in population databases (ExAC no frequency). This sequence change creates a premature translational stop signal (p.Leu559Profs*34) in the ATP2A1 gene. It is expected to result in an absent or disrupted protein product. Loss-of-function variants in ATP2A1 are known to be pathogenic (PMID: 8841193, 10914677, 23911890).

Revvity Omics, Revvity
Classification: Pathogenic for Brody myopathy. Last evaluated: 2020-06-29. Review status: criteria provided, single submitter. Criteria: ACMG Guidelines, 2015. Collection method: clinical testing. Allele origin: germline.

Literature cited by the submitters: PubMed 8841193 (cited by Variantyx, Inc. and Labcorp Genetics (formerly Invitae), Labcorp); PubMed 10914677 (cited by Variantyx, Inc. and Labcorp Genetics (formerly Invitae), Labcorp); PubMed 23911890 (cited by Variantyx, Inc. and Labcorp Genetics (formerly Invitae), Labcorp).